The following is an entry in ClinVar:

ClinVar aggregate classification (germline): Uncertain significance (1 of 4 stars; one submission).

Conditions:
Congenital myasthenic syndrome 8. Also called: Myasthenic syndrome, congenital, 8, with pre- and postsynaptic defects; MYASTHENIC SYNDROME, CONGENITAL, DUE TO AGRIN DEFICIENCY. Identifiers: Orphanet 590, MedGen C3808739, MONDO:0014052, OMIM 615120.

Allele frequency attached by ClinVar (database versions not stated): gnomAD exomes 0.00003; ExAC 0.00002; TOPMed 0.00002; gnomAD 0.00003.
gnomAD v4.1: 46 of 1,612,430 alleles (0.0029%); highest among the groups gnomAD compares: Middle Eastern, 0.016%; no homozygotes.

Submission:

Labcorp Genetics (formerly Invitae), Labcorp
Classification: Uncertain significance for Congenital myasthenic syndrome 8. Last evaluated: 2022-11-28. Review status: criteria provided, single submitter. Criteria: Invitae Variant Classification Sherloc (09022015). Collection method: clinical testing. Allele origin: germline.
Comment: In summary, the available evidence is currently insufficient to determine the role of this variant in disease. Therefore, it has been classified as a Variant of Uncertain Significance. Experimental studies have shown that this missense change affects AGRN function (PMID: 29258548). This sequence change replaces arginine, which is basic and polar, with histidine, which is basic and polar, at codon 1698 of the AGRN protein (p.Arg1698His). This variant is present in population databases (rs551658645, gnomAD 0.01%). This missense change has been observed in individual(s) with congenital myasthenic syndrome (PMID: 29258548). ClinVar contains an entry for this variant (Variation ID: 474143). Algorithms developed to predict the effect of missense changes on protein structure and function (SIFT, PolyPhen-2, Align-GVGD) all suggest that this variant is likely to be tolerated.

Literature cited by the submitters: PubMed 29258548.

NM_198576.4(AGRN):c.5093G>A (p.Arg1698His)

Gene: AGRN (agrin; plus strand). Cytogenetic location: 1p36.33.
Variant type: single nucleotide variant.
Coding change: c.5093G>A on transcript NM_198576.4 (MANE Select); coding-DNA position 5093, G replaced by A.
Protein change: p.Arg1698His; replaces arginine 1698 with histidine.
Molecular consequence: missense variant.
Genome position (GRCh38, 1-based): chr1:1,050,543, G>A. VCF-style: chr1-1050543-G-A. GRCh37 (hg19) VCF-style: chr1-985923-G-A.
Other names: c.5093G>A, p.Arg1698His (NM_001305275.2); c.4778G>A, p.Arg1593His (NM_001364727.2); short protein forms R1698H, R1593H.
Identifiers: ClinVar variation 474143 (VCV000474143.8), dbSNP rs551658645, ClinGen allele CA509848.